The following is an entry in ClinVar:

ClinVar aggregate classification (germline): Uncertain significance. Review status: criteria provided, multiple submitters, no conflicts (2 of 4 stars). 2 submissions from 2 submitters: Uncertain significance (2). Last evaluated 2023-01-30.

Conditions:
Dyskeratosis congenita, autosomal dominant 1 (DKCA1). Also called: Dyskeratosis congenita Scoggins type. Identifiers: Orphanet 1775, MedGen C4551974, MONDO:0007485, OMIM 127550. Inheritance: Variable.

Allele frequency attached by ClinVar (database versions not stated): TOPMed below 0.00001; gnomAD 0.00001.
gnomAD v4.1: 4 of 751,450 alleles (0.00053%); highest among the groups gnomAD compares: Non-Finnish European, 0.00098%; no homozygotes.

Submissions (2):

Blueprint Genetics
Classification: Uncertain significance. Last evaluated: 2023-01-30. Review status: criteria provided, single submitter. Criteria: ACMG Guidelines, 2015. Collection method: clinical testing. Allele origin: germline.

Labcorp Genetics (formerly Invitae), Labcorp
Classification: Uncertain significance for Dyskeratosis congenita, autosomal dominant 1. Last evaluated: 2022-10-12. Review status: criteria provided, single submitter. Criteria: Invitae Variant Classification Sherloc (09022015). Collection method: clinical testing. Allele origin: germline.
Comment: The frequency data for this variant in the population databases is considered unreliable, as metrics indicate poor data quality at this position in the gnomAD database. In summary, the available evidence is currently insufficient to determine the role of this variant in disease. Therefore, it has been classified as a Variant of Uncertain Significance. This variant is located within the BoxH/ACA scaRNA domain of the TERC RNA component, which is required for telomerase activity (PMID: 21844345). ClinVar contains an entry for this variant (Variation ID: 1517066). This variant has not been reported in the literature in individuals affected with TERC-related conditions. This variant occurs in the TERC gene, which encodes an RNA molecule that does not result in a protein product.

Literature cited by the submitters: PubMed 21844345 (cited by Labcorp Genetics (formerly Invitae), Labcorp).

NC_000003.12:g.169764664C>T

Gene: TERC (telomerase RNA component; minus strand). Cytogenetic location: 3q26.2.
Variant type: single nucleotide variant.
Genome position: GRCh38 VCF-style: chr3-169764664-C-T. GRCh37 (hg19) VCF-style: chr3-169482452-C-T.
Identifiers: ClinVar variation 1517066 (VCV001517066.7), dbSNP rs767519425, ClinGen allele CA2696790.
Genomic context (GRCh38, chr3:169,764,664, plus strand): 5'-CGAACTGCATGTGTGAGCCGAGTCCTGGGTGCACGTCCCACAGCTCAGGGAATCGCGCCG[C>T]GCGCGGGGACTCGCTCCGTTCCTCTTCCTGCGGCCTGAAAGGCCTGAACCTCGCCCTCGC-3'